The following is an entry in ClinVar:

ClinVar aggregate classification (germline): Uncertain significance. Review status: criteria provided, multiple submitters, no conflicts (2 of 4 stars). 2 submissions from 2 submitters: Uncertain significance (2). Last evaluated 2025-05-03.

Conditions:
Inborn genetic diseases. Identifiers: MedGen C0950123, MeSH D030342.
Amyotrophic lateral sclerosis type 16. Also called: AMYOTROPHIC LATERAL SCLEROSIS 16, JUVENILE. Identifiers: Orphanet 300605, MedGen C3280587, MONDO:0013715, OMIM 614373.
Autosomal recessive distal spinal muscular atrophy 2. Also called: NEUROPATHY, DISTAL HEREDITARY MOTOR, AUTOSOMAL RECESSIVE 2; NEURONOPATHY, DISTAL HEREDITARY MOTOR, JERASH TYPE; NEUROPATHY, DISTAL HEREDITARY MOTOR, JERASH TYPE; SPINAL MUSCULAR ATROPHY, JERASH TYPE; Hereditary motor neuropathy, Jerash type; Motor neuropathy, distal, Jerash type. Identifiers: Orphanet 139552, MedGen C1854023, MONDO:0011585, OMIM 605726.

Allele frequency attached by ClinVar (database versions not stated): gnomAD 0.00001; TOPMed 0.00001; gnomAD exomes 0.00001.
gnomAD v4.1: 20 of 1,558,428 alleles (0.0013%); highest among the groups gnomAD compares: Non-Finnish European, 0.0017%; no homozygotes.

Submissions (2):

Ambry Genetics
Classification: Uncertain significance for Inborn genetic diseases. Last evaluated: 2025-05-03. Review status: criteria provided, single submitter. Criteria: Ambry Variant Classification Scheme 2023. Collection method: clinical testing. Allele origin: germline.

Labcorp Genetics (formerly Invitae), Labcorp
Classification: Uncertain significance for Autosomal recessive distal spinal muscular atrophy 2; Amyotrophic lateral sclerosis type 16. Last evaluated: 2021-08-13. Review status: criteria provided, single submitter. Criteria: Invitae Variant Classification Sherloc (09022015). Collection method: clinical testing. Allele origin: germline.
Comment: This sequence change replaces glycine with valine at codon 115 of the SIGMAR1 protein (p.Gly115Val). The glycine residue is highly conserved and there is a moderate physicochemical difference between glycine and valine. This variant is not present in population databases (ExAC no frequency). This missense change has been observed in individual(s) with clinical features of SIGMAR1-related conditions (Invitae). In at least one individual the data is consistent with the variant being in trans (on the opposite chromosome) from a pathogenic variant. ClinVar contains an entry for this variant (Variation ID: 534263). Algorithms developed to predict the effect of missense changes on protein structure and function are either unavailable or do not agree on the potential impact of this missense change (SIFT: "Deleterious"; PolyPhen-2: "Probably Damaging"; Align-GVGD: "Class C15"). In summary, the available evidence is currently insufficient to determine the role of this variant in disease. Therefore, it has been classified as a Variant of Uncertain Significance.

NM_005866.4(SIGMAR1):c.344G>T (p.Gly115Val)

Gene: SIGMAR1 (sigma receptor chaperone 1; minus strand). Cytogenetic location: 9p13.3.
Variant type: single nucleotide variant.
Coding change: c.344G>T on transcript NM_005866.4 (MANE Select); coding-DNA position 344, G replaced by T.
Protein change: p.Gly115Val; replaces glycine 115 with valine.
Molecular consequence: missense variant. On other transcripts: intron variant (2).
Genome position (GRCh38, 1-based): chr9:34,637,228, C>A on the plus strand (G>T on the coding strand, the complement: SIGMAR1 is on the minus strand). VCF-style: chr9-34637228-C-A. GRCh37 (hg19) VCF-style: chr9-34637225-C-A.
Other names: c.344G>T, p.Gly115Val (NM_001282205.2, NM_001282208.2, NM_147157.3); c.284G>T, p.Gly95Val (NM_001282207.2); c.305+39G>T (NM_001282209.2); c.52+39G>T (NM_001282206.2); c.344G>T (NM_005866.2); short protein forms G115V, G95V.
Identifiers: ClinVar variation 534263 (VCV000534263.8), dbSNP rs1241574813, ClinGen allele CA373274473.